The following is an entry in ClinVar:

NM_001134363.3(RBM20):c.2144C>G (p.Pro715Arg)

Gene: RBM20 (RNA binding motif protein 20; plus strand). Cytogenetic location: 10q25.2.
Variant type: single nucleotide variant.
Coding change: c.2144C>G on transcript NM_001134363.3 (MANE Select); coding-DNA position 2144, C replaced by G.
Protein change: p.Pro715Arg; replaces proline 715 with arginine.
Molecular consequence: missense variant.
Genome position (GRCh38, 1-based): chr10:110,812,541, C>G. VCF-style: chr10-110812541-C-G. GRCh37 (hg19) VCF-style: chr10-112572299-C-G.
Other names: short protein forms P715R.
Identifiers: ClinVar variation 5028023 (VCV005028023.1).

ClinVar aggregate classification (germline): Uncertain significance (1 of 4 stars; one submission).

Conditions:
Cardiovascular phenotype. Identifiers: MedGen CN230736.

Submission:

Ambry Genetics
Classification: Uncertain significance for Cardiovascular phenotype. Last evaluated: 2026-08-29. Review status: criteria provided, single submitter. Criteria: Ambry Variant Classification Scheme 2023. Collection method: clinical testing. Allele origin: germline.
Comment: The p.P715R variant (also known as c.2144C>G), located in coding exon 9 of the RBM20 gene, results from a C to G substitution at nucleotide position 2144. The proline at codon 715 is replaced by arginine, an amino acid with dissimilar properties. This amino acid position is conserved. In addition, this alteration is predicted to be tolerated by in silico analysis. Based on the available evidence, the clinical significance of this variant remains unclear.